The following is an entry in ClinVar:

NM_000268.4(NF2):c.1247C>T (p.Ala416Val)

Gene: NF2 (NF2, moesin-ezrin-radixin like (MERLIN) tumor suppressor; plus strand). Cytogenetic location: 22q12.2.
Variant type: single nucleotide variant.
Coding change: c.1247C>T on transcript NM_000268.4 (MANE Select); coding-DNA position 1247, C replaced by T.
Protein change: p.Ala416Val; replaces alanine 416 with valine.
Molecular consequence: missense variant. On other transcripts: non-coding transcript variant (1), intron variant (1).
Genome position (GRCh38, 1-based): chr22:29,673,393, C>T. VCF-style: chr22-29673393-C-T. GRCh37 (hg19) VCF-style: chr22-30069382-C-T.
Other names: c.1247C>T, p.Ala416Val (NM_016418.5, NM_181825.3, NM_181832.3); c.1121C>T, p.Ala374Val (NM_181828.3); c.1124C>T, p.Ala375Val (NM_181829.3); c.998C>T, p.Ala333Val (NM_181830.3, NM_181831.3); c.448-21359C>T (NM_181833.3); short protein forms A416V, A333V, A374V, A375V.
Identifiers: ClinVar variation 1399664 (VCV001399664.9), dbSNP rs2066862902, ClinGen allele CA411148312.
Genomic context (GRCh38, chr22:29,673,393, plus strand): 5'-AACTTCTGGCCCAGAAGGCCGCAGAGGCTGAGCAGGAAATGCAGCGCATCAAGGCCACAG[C>T]GATTCGCACGGAGGAGGAGAAGCGCCTGATGGAGCAGAAGGTGCTGGAAGCCGAGGTGCT-3'
Protein context (NP_000259.1, residues 406-426): EQEMQRIKAT[Ala416Val]IRTEEEKRLM

ClinVar aggregate classification (germline): Uncertain significance. Review status: criteria provided, multiple submitters, no conflicts (2 of 4 stars). 3 submissions from 3 submitters: Uncertain significance (3). Last evaluated 2026-04-11.

Conditions:
Hereditary cancer-predisposing syndrome. Also called: Neoplastic Syndromes, Hereditary; Tumor predisposition; Hereditary Cancer Syndrome; Hereditary neoplastic syndrome. Identifiers: Orphanet 140162, MedGen C0027672, MeSH D009386, MONDO:0015356.
Neurofibromatosis, type 2 (SWNV). Also called: NF2-Related Schwannomatosis; BILATERAL ACOUSTIC NEUROFIBROMATOSIS; SCHWANNOMATOSIS, VESTIBULAR. Identifiers: Orphanet 637, MedGen C0027832, MONDO:0007039, OMIM 101000. Disease mechanism: loss of function.

Allele frequency attached by ClinVar (database versions not stated): gnomAD 0.00001.

Submissions (3):

GeneDx
Classification: Uncertain significance. Last evaluated: 2026-04-11. Review status: criteria provided, single submitter. Criteria: GeneDx Variant Classification Process June 2021. Collection method: clinical testing. Allele origin: germline.
Comment: Not observed at significant frequency in large population cohorts (gnomAD); In silico analysis supports that this missense variant has a deleterious effect on protein structure/function; Has not been previously published as pathogenic or benign to our knowledge; This variant is associated with the following publications: (PMID: 16324214, 17134719, 22482125)

Labcorp Genetics (formerly Invitae), Labcorp
Classification: Uncertain significance for Neurofibromatosis, type 2. Last evaluated: 2026-01-19. Review status: criteria provided, single submitter. Criteria: Invitae Variant Classification Sherloc (09022015). Collection method: clinical testing. Allele origin: germline.
Comment: This sequence change replaces alanine, which is neutral and non-polar, with valine, which is neutral and non-polar, at codon 416 of the NF2 protein (p.Ala416Val). This variant is not present in population databases (gnomAD no frequency). This variant has not been reported in the literature in individuals affected with NF2-related conditions. ClinVar contains an entry for this variant (Variation ID: 1399664). Invitae Evidence Modeling of protein sequence and biophysical properties (such as structural, functional, and spatial information, amino acid conservation, physicochemical variation, residue mobility, and thermodynamic stability) indicates that this missense variant is not expected to disrupt NF2 protein function with a negative predictive value of 80%. In summary, the available evidence is currently insufficient to determine the role of this variant in disease. Therefore, it has been classified as a Variant of Uncertain Significance.

Ambry Genetics
Classification: Uncertain significance for Hereditary cancer-predisposing syndrome. Last evaluated: 2025-06-06. Review status: criteria provided, single submitter. Criteria: Ambry Variant Classification Scheme 2023. Collection method: clinical testing. Allele origin: germline.
Comment: The p.A416V variant (also known as c.1247C>T), located in coding exon 12 of the NF2 gene, results from a C to T substitution at nucleotide position 1247. The alanine at codon 416 is replaced by valine, an amino acid with similar properties. This amino acid position is conserved. In addition, the in silico prediction for this alteration is inconclusive. Since supporting evidence is limited at this time, the clinical significance of this alteration remains unclear.